The following is an entry in ClinVar:

NM_001110556.2(FLNA):c.4119C>T (p.Pro1373=)

Gene: FLNA (filamin A; minus strand). Cytogenetic location: Xq28.
Variant type: single nucleotide variant.
Coding change: c.4119C>T on transcript NM_001110556.2 (MANE Select); coding-DNA position 4119, C replaced by T.
Protein change: p.Pro1373=; no amino-acid change (proline 1373 retained).
Molecular consequence: synonymous variant.
Genome position (GRCh38, 1-based): chrX:154,359,507, G>A on the plus strand (C>T on the coding strand, the complement: FLNA is on the minus strand). VCF-style: chrX-154359507-G-A. GRCh37 (hg19) VCF-style: chrX-153587875-G-A.
Other names: c.4119C>T, p.Pro1373= (NM_001456.4); c.4119C>T (NM_001110556.1).
Identifiers: ClinVar variation 993680 (VCV000993680.10), dbSNP rs2067688016, ClinGen allele CA519707552.

ClinVar aggregate classification (germline): Likely benign. Review status: criteria provided, single submitter (1 of 4 stars). 2 submissions from 2 submitters: Likely benign (1). 1 of the submissions does not count toward it. Last evaluated 2020-04-02.

Conditions:
FLNA-related disorder.

Submissions (2):

ARUP Laboratories, Molecular Genetics and Genomics, ARUP Laboratories
Classification: Likely benign. Last evaluated: 2020-04-02. Review status: criteria provided, single submitter. Criteria: ARUP Molecular Germline Variant Investigation Process. Collection method: clinical testing. Allele origin: germline.

PreventionGenetics, part of Exact Sciences
Classification: Likely benign for FLNA-related condition. Last evaluated: 2024-02-12. Review status: no assertion criteria provided. Collection method: clinical testing. Allele origin: germline. Not counted in ClinVar's aggregate classification.
Comment: This variant is classified as likely benign based on ACMG/AMP sequence variant interpretation guidelines (Richards et al. 2015 PMID: 25741868, with internal and published modifications).